The following is an entry in ClinVar:

ClinVar aggregate classification (germline): Benign (1 of 4 stars; one submission).

Conditions:
Familial adenomatous polyposis 1 (FAP1). Also called: POLYPOSIS, ADENOMATOUS INTESTINAL; FAMILIAL ADENOMATOUS POLYPOSIS 1, ATTENUATED. Identifiers: MedGen C2713442, MONDO:0021056, OMIM 175100. Disease mechanism: loss of function.

Submission:

Myriad Genetics, Inc.
Classification: Benign for Familial adenomatous polyposis 1. Last evaluated: 2024-02-26. Review status: criteria provided, single submitter. Criteria: Myriad Autosomal Dominant, Autosomal Recessive and X-Linked Classification Criteria (2023). Collection method: clinical testing. Allele origin: unknown.
Comment: This variant is considered benign. This variant is a silent/synonymous amino acid change and it is not expected to impact splicing.

NM_000038.6(APC):c.642A>T (p.Ala214=)

Gene: APC (APC regulator of Wnt signaling pathway; plus strand). Cytogenetic location: 5q22.2.
Variant type: single nucleotide variant.
Coding change: c.642A>T on transcript NM_000038.6 (MANE Select); coding-DNA position 642, A replaced by T.
Protein change: p.Ala214=; no amino-acid change (alanine 214 retained).
Molecular consequence: synonymous variant. On other transcripts: 5 prime UTR variant (4), non-coding transcript variant (2).
Genome position (GRCh38, 1-based): chr5:112,780,900, A>T. VCF-style: chr5-112780900-A-T. GRCh37 (hg19) VCF-style: chr5-112116597-A-T.
Other names: c.642A>T, p.Ala214= (NM_001407447.1, NM_001407448.1, NM_001407449.1 and 16 more transcripts); c.567A>T, p.Ala189= (NM_001407451.1, NM_001354898.2, NM_001354904.2); c.465A>T, p.Ala155= (NM_001407453.1, NM_001354900.2, NM_001354901.2 and 1 more transcripts); c.-394A>T (NM_001407470.1, NM_001407471.1, NM_001407472.1 and 1 more transcripts); c.672A>T, p.Ala224= (NM_001127511.3, NM_001354897.2, NM_001354902.2 and 1 more transcripts).
Identifiers: ClinVar variation 3148248 (VCV003148248.1), dbSNP rs1580380453, ClinGen allele CA445755532.